The following is an entry in ClinVar:

NM_182760.4(SUMF1):c.876C>G (p.Tyr292Ter)

Gene: SUMF1 (sulfatase modifying factor 1; minus strand). Cytogenetic location: 3p26.1.
Variant type: single nucleotide variant.
Coding change: c.876C>G on transcript NM_182760.4 (MANE Select); coding-DNA position 876, C replaced by G.
Protein change: p.Tyr292Ter; replaces tyrosine 292 with a stop codon.
Molecular consequence: nonsense.
Genome position (GRCh38, 1-based): chr3:4,410,943, G>C on the plus strand (C>G on the coding strand, the complement: SUMF1 is on the minus strand). VCF-style: chr3-4410943-G-C. GRCh37 (hg19) VCF-style: chr3-4452627-G-C.
Other names: c.801C>G, p.Tyr267Ter (NM_001164674.2); c.876C>G, p.Tyr292Ter (NM_001164675.2); short protein forms Y267*, Y292*.
Identifiers: ClinVar variation 1460160 (VCV001460160.6), dbSNP rs369648085, ClinGen allele CA351631436.
Genomic context (GRCh38, chr3:4,410,943, plus strand): 5'-AACAGAATGATGAACAGTCCACCAGTCTGAAGTCCATTCCCATGCGTTCCCCACTATGTT[G>C]TATAAGCCATAACCATTGGGAGGGAAGGCATCAACCTAAAAACAAAGACAGGAAAAATGC-3'

ClinVar aggregate classification (germline): Pathogenic (1 of 4 stars; one submission).

Conditions:
Multiple sulfatase deficiency (MSD). Also called: Mucosulfatidosis; Multiple Sulfatase Deficiency Disease; Sulfatidosis, Juvenile, Austin Type. Identifiers: Orphanet 585, MedGen C0268263, MONDO:0010088, OMIM 272200.

gnomAD v4.1: 1 of 1,614,062 alleles (0.000062%); highest among the groups gnomAD compares: East Asian, 0.0022%; no homozygotes.

Submission:

Labcorp Genetics (formerly Invitae), Labcorp
Classification: Pathogenic for Multiple sulfatase deficiency. Last evaluated: 2022-11-22. Review status: criteria provided, single submitter. Criteria: Invitae Variant Classification Sherloc (09022015). Collection method: clinical testing. Allele origin: germline.
Comment: For these reasons, this variant has been classified as Pathogenic. ClinVar contains an entry for this variant (Variation ID: 1460160). This variant has not been reported in the literature in individuals affected with SUMF1-related conditions. This variant is not present in population databases (gnomAD no frequency). This sequence change creates a premature translational stop signal (p.Tyr292*) in the SUMF1 gene. It is expected to result in an absent or disrupted protein product. Loss-of-function variants in SUMF1 are known to be pathogenic (PMID: 12757705, 12757706, 25885655).

Literature cited by the submitters: PubMed 12757705; PubMed 12757706; PubMed 25885655.